The following is an entry in ClinVar:

NM_032043.3(BRIP1):c.20A>T (p.Glu7Val)

Gene: BRIP1 (BRCA1 interacting DNA helicase 1; minus strand). Cytogenetic location: 17q23.2.
Variant type: single nucleotide variant.
Coding change: c.20A>T on transcript NM_032043.3 (MANE Select); coding-DNA position 20, A replaced by T.
Protein change: p.Glu7Val; replaces glutamic acid 7 with valine.
Molecular consequence: missense variant.
Genome position (GRCh38, 1-based): chr17:61,861,520, T>A on the plus strand (A>T on the coding strand, the complement: BRIP1 is on the minus strand). VCF-style: chr17-61861520-T-A. GRCh37 (hg19) VCF-style: chr17-59938881-T-A.
Other names: short protein forms E7V.
Identifiers: ClinVar variation 2637764 (VCV002637764.2), dbSNP rs2145865897, ClinGen allele CA400486057.

ClinVar aggregate classification (germline): Uncertain significance. Review status: criteria provided, multiple submitters, no conflicts (2 of 4 stars). 2 submissions from 2 submitters: Uncertain significance (2). Last evaluated 2026-07-06.

Conditions:
Hereditary cancer-predisposing syndrome. Also called: Hereditary neoplastic syndrome; Hereditary Cancer Syndrome; Neoplastic Syndromes, Hereditary; Tumor predisposition. Identifiers: Orphanet 140162, MedGen C0027672, MeSH D009386, MONDO:0015356.

Submissions (2):

Ambry Genetics
Classification: Uncertain significance for Hereditary cancer-predisposing syndrome. Last evaluated: 2026-07-06. Review status: criteria provided, single submitter. Criteria: Ambry Variant Classification Scheme 2023. Collection method: clinical testing. Allele origin: germline.
Comment: The p.E7V variant (also known as c.20A>T), located in coding exon 1 of the BRIP1 gene, results from an A to T substitution at nucleotide position 20. The glutamic acid at codon 7 is replaced by valine, an amino acid with dissimilar properties. This amino acid position is conserved. In addition, this alteration is predicted to be tolerated by in silico analysis. Based on the available evidence, the clinical significance of this variant remains unclear.

Women's Health and Genetics/Laboratory Corporation of America, LabCorp
Classification: Uncertain significance. Last evaluated: 2023-10-16. Review status: criteria provided, single submitter. Criteria: LabCorp Variant Classification Summary - May 2015. Collection method: clinical testing. Allele origin: germline.